The following is an entry in ClinVar:

ClinVar aggregate classification (germline): Uncertain significance (1 of 4 stars; one submission).

Allele frequency attached by ClinVar (database versions not stated): gnomAD 0.00001; gnomAD exomes 0.00001; TOPMed 0.00001.
gnomAD v4.1: 66 of 1,607,782 alleles (0.0041%); highest among the groups gnomAD compares: Non-Finnish European, 0.0047%; no homozygotes.

Submission:

Labcorp Genetics (formerly Invitae), Labcorp
Classification: Uncertain significance. Last evaluated: 2024-06-12. Review status: criteria provided, single submitter. Criteria: Invitae Variant Classification Sherloc (09022015). Collection method: clinical testing. Allele origin: germline.
Comment: This sequence change replaces glutamic acid, which is acidic and polar, with lysine, which is basic and polar, at codon 747 of the CACNA1E protein (p.Glu747Lys). The frequency data for this variant in the population databases is considered unreliable, as metrics indicate poor data quality at this position in the gnomAD database. This variant has not been reported in the literature in individuals affected with CACNA1E-related conditions. ClinVar contains an entry for this variant (Variation ID: 1444201). An algorithm developed to predict the effect of missense changes on protein structure and function (PolyPhen-2) suggests that this variant is likely to be tolerated. In summary, the available evidence is currently insufficient to determine the role of this variant in disease. Therefore, it has been classified as a Variant of Uncertain Significance.

NM_001205293.3(CACNA1E):c.2239G>A (p.Glu747Lys)

Gene: CACNA1E (calcium voltage-gated channel subunit alpha1 E; plus strand). Cytogenetic location: 1q25.3.
Variant type: single nucleotide variant.
Coding change: c.2239G>A on transcript NM_001205293.3 (MANE Select); coding-DNA position 2239, G replaced by A.
Protein change: p.Glu747Lys; replaces glutamic acid 747 with lysine.
Molecular consequence: missense variant.
Genome position (GRCh38, 1-based): chr1:181,726,161, G>A. VCF-style: chr1-181726161-G-A. GRCh37 (hg19) VCF-style: chr1-181695297-G-A.
Other names: c.2239G>A, p.Glu747Lys (NM_000721.4, NM_001205294.2); short protein forms E747K.
Identifiers: ClinVar variation 1444201 (VCV001444201.6), dbSNP rs1357407338, ClinGen allele CA343628864.